The following continues an entry in ClinVar:

NM_144997.7(FLCN):c.1333G>A (p.Ala445Thr)

Gene: FLCN. ClinVar aggregate classification (germline): Conflicting classifications of pathogenicity. Uncertain significance (1); Benign (8); Likely benign (14).

Submissions 21 to 31 of 31:

Illumina Laboratory Services, Illumina
Classification: Likely benign for Familial spontaneous pneumothorax. Last evaluated: 2018-01-13. Review status: criteria provided, single submitter. Criteria: ICSL Variant Classification Criteria 13 December 2019. Collection method: clinical testing. Allele origin: germline.
Comment: This variant was observed in the ICSL laboratory as part of a predisposition screen in an ostensibly healthy population. It had not been previously curated by ICSL or reported in the Human Gene Mutation Database (HGMD: prior to June 1st, 2018), and was therefore a candidate for classification through an automated scoring system. Utilizing variant allele frequency, disease prevalence and penetrance estimates, and inheritance mode, an automated score was calculated to assess if this variant is too frequent to cause the disease. Based on the score and internal cut-off values, a variant classified as likely benign is not then subjected to further curation. The score for this variant resulted in a classification of likely benign for this disease.

Genomic Diagnostic Laboratory, Division of Genomic Diagnostics, Children's Hospital of Philadelphia
Classification: Likely benign for Birt-Hogg-Dube Syndrome. Last evaluated: 2016-07-18. Review status: criteria provided, single submitter. Criteria: DGD Variant Analysis Guidelines. Collection method: clinical testing. Allele origin: germline. Observed: 2 variant alleles.
Comment: Clinical Testing

Laboratory for Molecular Medicine, Mass General Brigham Personalized Medicine
Classification: Likely benign. Last evaluated: 2015-08-06. Review status: criteria provided, single submitter. Criteria: LMM Criteria. Collection method: clinical testing. Allele origin: germline. Observed: 1 variant allele.
Comment: p.Ala445Thr in exon 12 of FLCN: This variant is not expected to have clinical si gnificance because it has been identified in 0.37% (246/66324) of European chrom osomes by the Exome Aggregation Consortium (ExAC ; dbSNP rs41419545). Additionally, 47 species including 27 mammals have a threon ine (Thr) at this position.

ITMI
No classification provided. Condition: AllHighlyPenetrant. Last evaluated: 2013-09-19. Review status: no classification provided. Collection method: reference population. Allele origin: germline. Not counted in ClinVar's aggregate classification.
Comment: Please see associated publication for description of ethnicities

Biesecker Lab/Clinical Genomics Section, National Institutes of Health
Classification: Uncertain significance. Last evaluated: 2012-07-13. Review status: no assertion criteria provided. Collection method: research. Allele origin: germline. Affected: no. Observed: 2 variant alleles. Study: ClinSeq. Not counted in ClinVar's aggregate classification.
ClinVar note: Converted during submission from variant of unknown significance to Uncertain significance.

OMIM
Classification: Pathogenic for COLORECTAL CANCER, SOMATIC. Last evaluated: 2003-07-01. Review status: no assertion criteria provided. Collection method: literature only. Allele origin: somatic. Not counted in ClinVar's aggregate classification.

Clinical Genetics DNA and cytogenetics Diagnostics Lab, Erasmus MC, Erasmus Medical Center
Classification: Likely benign. Review status: no assertion criteria provided. Collection method: clinical testing. Allele origin: germline. Affected: yes. Study: VKGL Data-share Consensus. Not counted in ClinVar's aggregate classification.

Diagnostic Laboratory, Department of Genetics, University Medical Center Groningen
Classification: Likely benign. Review status: no assertion criteria provided. Collection method: clinical testing. Allele origin: germline. Affected: yes. Study: VKGL Data-share Consensus. Not counted in ClinVar's aggregate classification.

Genome Diagnostics Laboratory, Amsterdam University Medical Center
Classification: Likely benign. Review status: no assertion criteria provided. Collection method: clinical testing. Allele origin: germline. Affected: yes. Study: VKGL Data-share Consensus. Not counted in ClinVar's aggregate classification.

Genome Diagnostics Laboratory, University Medical Center Utrecht
Classification: Likely benign. Review status: no assertion criteria provided. Collection method: clinical testing. Allele origin: germline. Affected: yes. Study: VKGL Data-share Consensus. Not counted in ClinVar's aggregate classification.

Joint Genome Diagnostic Labs from Nijmegen and Maastricht, Radboudumc and MUMC+
Classification: Likely benign. Review status: no assertion criteria provided. Collection method: clinical testing. Allele origin: germline. Affected: yes. Study: VKGL Data-share Consensus. Not counted in ClinVar's aggregate classification.

Literature cited by the submitters: PubMed 24728327 (cited by Quest Diagnostics Nichols Institute San Juan Capistrano and ITMI); PubMed 12843323 (cited by 4 submitters); PubMed 19116017 (cited by Quest Diagnostics Nichols Institute San Juan Capistrano); PubMed 19562744 (cited by Quest Diagnostics Nichols Institute San Juan Capistrano).